The following is an entry in ClinVar:

NM_001370259.2(MEN1):c.1306T>C (p.Trp436Arg)

Gene: MEN1 (menin 1; minus strand). Cytogenetic location: 11q13.1.
Variant type: single nucleotide variant.
Coding change: c.1306T>C on transcript NM_001370259.2 (MANE Select); coding-DNA position 1306, T replaced by C.
Protein change: p.Trp436Arg; replaces tryptophan 436 with arginine.
Molecular consequence: missense variant.
Genome position (GRCh38, 1-based): chr11:64,805,078, A>G on the plus strand (T>C on the coding strand, the complement: MEN1 is on the minus strand). VCF-style: chr11-64805078-A-G. GRCh37 (hg19) VCF-style: chr11-64572550-A-G.
Other names: c.1321T>C, p.Trp441Arg (NM_000244.4, NM_130800.3, NM_130801.3 and 3 more transcripts); c.1432T>C, p.Trp478Arg (NM_001370251.2); c.1306T>C, p.Trp436Arg (NM_001370260.2, NM_001370261.2, NM_130799.3); c.1201T>C, p.Trp401Arg (NM_001370262.2, NM_001370263.2); short protein forms W436R, W441R, W401R, W478R.
Identifiers: ClinVar variation 428003 (VCV000428003.13), dbSNP rs104894259, ClinGen allele CA223912292.

ClinVar aggregate classification (germline): Pathogenic/Likely pathogenic. Review status: criteria provided, multiple submitters, no conflicts (2 of 4 stars). 3 submissions from 3 submitters: Pathogenic (2); Likely pathogenic (1). Last evaluated 2026-02-04.

Conditions:
Hereditary cancer-predisposing syndrome. Also called: Neoplastic Syndromes, Hereditary; Tumor predisposition; Hereditary neoplastic syndrome; Hereditary Cancer Syndrome. Identifiers: Orphanet 140162, MedGen C0027672, MeSH D009386, MONDO:0015356.
Multiple endocrine neoplasia, type 1 (MEN1). Also called: MEN I; WERMER SYNDROME; Endocrine adenomatosis multiple; MEN 1; MEA I. Identifiers: Orphanet 652, MedGen C0025267, MeSH D018761, MONDO:0007540, OMIM 131100.

Submissions (3):

Ambry Genetics
Classification: Pathogenic for Hereditary cancer-predisposing syndrome. Last evaluated: 2026-02-04. Review status: criteria provided, single submitter. Criteria: Ambry Variant Classification Scheme 2023. Collection method: clinical testing. Allele origin: germline.
Comment: The p.W436R pathogenic mutation (also known as c.1306T>C), located in coding exon 8 of the MEN1 gene, results from a T to C substitution at nucleotide position 1306. The tryptophan at codon 436 is replaced by arginine, an amino acid with dissimilar properties. This variant was reported in individual(s) with features consistent with Multiple endocrine neoplasia type 1 (MEN1) (Chandrasekharappa SC et al. Science, 1997 Apr;276:404-7; Klein RD et al. Genet Med, 2005 Feb;7:131-8; Ambry internal data). Based on internal structural analysis, this variant results in a significant decrease in structural stability (Ambry internal data). In an assay testing MEN1 function, this variant showed a functionally abnormal result (Shimazu S et al. Cancer Sci, 2011 Nov;102:2097-102). This amino acid position is highly conserved in available vertebrate species. In addition, this alteration is predicted to be deleterious by in silico analysis. This variant is considered to be rare based on population cohorts in the Genome Aggregation Database (gnomAD). Based on the supporting evidence, this variant is interpreted as a disease-causing mutation.

Myriad Genetics, Inc.
Classification: Likely pathogenic for Multiple endocrine neoplasia, type 1. Last evaluated: 2023-11-27. Review status: criteria provided, single submitter. Criteria: Myriad Autosomal Dominant, Autosomal Recessive and X-Linked Classification Criteria (2023). Collection method: clinical testing. Allele origin: unknown.
Comment: This variant is considered likely pathogenic. This variant has been reported in multiple individuals with clinical features of gene-specific disease [PMID: 9540988, 9103196, 15714081, 9498491]. Functional studies indicate this variant impacts protein function [PMID: 21127195, 21819486]. This variant is expected to disrupt protein structure [Myriad internal data].

Labcorp Genetics (formerly Invitae), Labcorp
Classification: Pathogenic for Multiple endocrine neoplasia, type 1. Last evaluated: 2022-07-27. Review status: criteria provided, single submitter. Criteria: Invitae Variant Classification Sherloc (09022015). Collection method: clinical testing. Allele origin: germline.
Comment: This sequence change replaces tryptophan, which is neutral and slightly polar, with arginine, which is basic and polar, at codon 436 of the MEN1 protein (p.Trp436Arg). This variant is not present in population databases (gnomAD no frequency). This missense change has been observed in individual(s) with hyperparathyroidism (PMID: 21127195, 21819486; Invitae). ClinVar contains an entry for this variant (Variation ID: 428003). Advanced modeling of protein sequence and biophysical properties (such as structural, functional, and spatial information, amino acid conservation, physicochemical variation, residue mobility, and thermodynamic stability) performed at Invitae indicates that this missense variant is expected to disrupt MEN1 protein function. For these reasons, this variant has been classified as Pathogenic.

Literature cited by the submitters: PubMed 15714081 (cited by Ambry Genetics and Myriad Genetics, Inc.); PubMed 21819486 (cited by 3 submitters); PubMed 9103196 (cited by Ambry Genetics and Myriad Genetics, Inc.); PubMed 9540988 (cited by Myriad Genetics, Inc.); PubMed 9498491 (cited by Myriad Genetics, Inc.); PubMed 21127195 (cited by Myriad Genetics, Inc. and Labcorp Genetics (formerly Invitae), Labcorp).